The following is an entry in ClinVar:

NM_001386135.1(AFF3):c.200A>G (p.Asn67Ser)

Gene: AFF3 (ALF transcription elongation factor 3; minus strand). Cytogenetic location: 2q11.2.
Variant type: single nucleotide variant.
Coding change: c.200A>G on transcript NM_001386135.1 (MANE Select); coding-DNA position 200, A replaced by G.
Protein change: p.Asn67Ser; replaces asparagine 67 with serine.
Molecular consequence: missense variant.
Genome position (GRCh38, 1-based): chr2:100,007,435, T>C on the plus strand (A>G on the coding strand, the complement: AFF3 is on the minus strand). VCF-style: chr2-100007435-T-C. GRCh37 (hg19) VCF-style: chr2-100623897-T-C.
Other names: c.275A>G, p.Asn92Ser (NM_001025108.2); c.200A>G, p.Asn67Ser (NM_002285.3); short protein forms N67S, N92S.
Identifiers: ClinVar variation 4885269 (VCV004885269.2).
Genomic context (GRCh38, chr2:100,007,435, plus strand): 5'-GATCTATCAGTTAAAAAGTCTTTCATTTCATCATAATTGCCTAAAGTGTTCTGGATCCGG[T>C]TGGAGAGTTCATCCCCCTTGTTAGTCTGGAGAAAGAAAAACACATCCACGCTATTGTTAG-3'
Protein context (NP_001373064.1, residues 57-77): YKTNKGDELS[Asn67Ser]RIQNTLGNYD

ClinVar aggregate classification (germline): Uncertain significance (1 of 4 stars; one submission).

Submission:

Dasa
Classification: Uncertain significance. Last evaluated: 2025-11-28. Review status: criteria provided, single submitter. Criteria: DASA Assertion Criteria. Collection method: clinical testing. Allele origin: germline.
Comment: NM_001386135.1(AFF3):c.200A>G (p.Asn67Ser) is a missense variant that results in the substitution of asparagine with serine. This variant is rare in population databases. Computational prediction algorithms are consistent with a benign effect. The currently available literature and clinical evidence are not sufficient to establish a definitive association between this variant and the reported condition. Therefore, this variant is classified as a variant of uncertain significance.